The following is an entry in ClinVar:

NM_004370.6(COL12A1):c.2653G>A (p.Ala885Thr)

Gene: COL12A1 (collagen type XII alpha 1 chain; minus strand). Cytogenetic location: 6q13.
Variant type: single nucleotide variant.
Coding change: c.2653G>A on transcript NM_004370.6 (MANE Select); coding-DNA position 2653, G replaced by A.
Protein change: p.Ala885Thr; replaces alanine 885 with threonine.
Molecular consequence: missense variant. On other transcripts: intron variant (1).
Genome position (GRCh38, 1-based): chr6:75,175,095, C>T on the plus strand (G>A on the coding strand, the complement: COL12A1 is on the minus strand). VCF-style: chr6-75175095-C-T. GRCh37 (hg19) VCF-style: chr6-75884811-C-T.
Other names: c.74-22613G>A (NM_080645.3); short protein forms A885T.
Identifiers: ClinVar variation 957293 (VCV000957293.16), dbSNP rs373583477, ClinGen allele CA3893922.

ClinVar aggregate classification (germline): Conflicting classifications of pathogenicity. Review status: criteria provided, conflicting classifications (1 of 4 stars). 4 submissions from 4 submitters: Uncertain significance (3); Likely benign (1). Last evaluated 2025-10-29.

Conditions:
Inborn genetic diseases. Identifiers: MedGen C0950123, MeSH D030342.
Ullrich congenital muscular dystrophy 2 (UCMD2). Identifiers: Orphanet 75840, MedGen C4225314, MONDO:0014654, OMIM 616470.
Bethlem myopathy 2 (BTHLM2). Identifiers: Orphanet 536516, Orphanet 610, MedGen C4225313, MONDO:0034022, OMIM 616471.

Allele frequency attached by ClinVar (database versions not stated): ExAC 0.00002; gnomAD 0.00002; gnomAD exomes 0.00002; TOPMed 0.00003; ESP Exome Variant Server 0.00008.
gnomAD v4.1: 9 of 1,614,070 alleles (0.00056%); highest among the groups gnomAD compares: African/African-American, 0.004%; no homozygotes.

Submissions (4):

Labcorp Genetics (formerly Invitae), Labcorp
Classification: Likely benign for Bethlem myopathy 2; Ullrich congenital muscular dystrophy 2. Last evaluated: 2025-10-29. Review status: criteria provided, single submitter. Criteria: Invitae Variant Classification Sherloc (09022015). Collection method: clinical testing. Allele origin: germline.

Revvity Omics, Revvity
Classification: Uncertain significance. Last evaluated: 2024-10-24. Review status: criteria provided, single submitter. Criteria: ACMG Guidelines, 2015. Collection method: clinical testing. Allele origin: germline.

GeneDx
Classification: Uncertain significance. Last evaluated: 2023-03-13. Review status: criteria provided, single submitter. Criteria: GeneDx Variant Classification Process June 2021. Collection method: clinical testing. Allele origin: germline. Affected: yes.
Comment: Has not been previously published as pathogenic or benign to our knowledge; In silico analysis supports that this missense variant does not alter protein structure/function

Ambry Genetics
Classification: Uncertain significance for Inborn genetic diseases. Last evaluated: 2023-02-16. Review status: criteria provided, single submitter. Criteria: Ambry Variant Classification Scheme 2023. Collection method: clinical testing. Allele origin: germline.